The following is an entry in ClinVar:

NM_015662.3(IFT172):c.1512C>T (p.Asp504=)

Gene: IFT172 (intraflagellar transport 172; minus strand). Cytogenetic location: 2p23.3.
Variant type: single nucleotide variant.
Coding change: c.1512C>T on transcript NM_015662.3 (MANE Select); coding-DNA position 1512, C replaced by T.
Protein change: p.Asp504=; no amino-acid change (aspartic acid 504 retained).
Molecular consequence: synonymous variant.
Genome position (GRCh38, 1-based): chr2:27,472,262, G>A on the plus strand (C>T on the coding strand, the complement: IFT172 is on the minus strand). VCF-style: chr2-27472262-G-A. GRCh37 (hg19) VCF-style: chr2-27695129-G-A.
Other names: c.1512C>T (NM_015662.2).
Identifiers: ClinVar variation 1142709 (VCV001142709.11), dbSNP rs746321444, ClinGen allele CA1580631.

ClinVar aggregate classification (germline): Likely benign. Review status: criteria provided, multiple submitters, no conflicts (2 of 4 stars). 3 submissions from 3 submitters: Likely benign (2). 1 of the submissions does not count toward it. Last evaluated 2024-06-24.

Conditions:
Retinitis pigmentosa 71 (RP71). Identifiers: Orphanet 791, MedGen C4225342, MONDO:0014618, OMIM 616394.
Short-rib thoracic dysplasia 10 with or without polydactyly (SRTD10). Identifiers: Orphanet 474, MedGen C3810175, MONDO:0014284, OMIM 615630.
IFT172-related disorder. Also called: IFT172-related disorders; IFT172-related condition.

Allele frequency attached by ClinVar (database versions not stated): gnomAD exomes below 0.00001; TOPMed below 0.00001; ExAC 0.00001; gnomAD 0.00001.

Submissions (3):

Labcorp Genetics (formerly Invitae), Labcorp
Classification: Likely benign for Retinitis pigmentosa 71; Short-rib thoracic dysplasia 10 with or without polydactyly. Last evaluated: 2024-06-24. Review status: criteria provided, single submitter. Criteria: Invitae Variant Classification Sherloc (09022015). Collection method: clinical testing. Allele origin: germline.

Blueprint Genetics
Classification: Likely benign. Last evaluated: 2022-10-25. Review status: criteria provided, single submitter. Criteria: ACMG Guidelines, 2015. Collection method: clinical testing. Allele origin: germline.

PreventionGenetics, part of Exact Sciences
Classification: Likely benign for IFT172-related condition. Last evaluated: 2020-07-28. Review status: no assertion criteria provided. Collection method: clinical testing. Allele origin: germline. Not counted in ClinVar's aggregate classification.
Comment: This variant is classified as likely benign based on ACMG/AMP sequence variant interpretation guidelines (Richards et al. 2015 PMID: 25741868, with internal and published modifications).